The following is an entry in ClinVar:

NM_019096.5(GTPBP2):c.608G>A (p.Arg203Gln)

Gene: GTPBP2 (GTP binding protein 2; minus strand). Cytogenetic location: 6p21.1.
Variant type: single nucleotide variant.
Coding change: c.608G>A on transcript NM_019096.5 (MANE Select); coding-DNA position 608, G replaced by A.
Protein change: p.Arg203Gln; replaces arginine 203 with glutamine.
Molecular consequence: missense variant.
Genome position (GRCh38, 1-based): chr6:43,625,460, C>T on the plus strand (G>A on the coding strand, the complement: GTPBP2 is on the minus strand). VCF-style: chr6-43625460-C-T. GRCh37 (hg19) VCF-style: chr6-43593197-C-T.
Other names: c.344G>A, p.Arg115Gln (NM_001286216.2); short protein forms R115Q, R203Q.
Identifiers: ClinVar variation 3698115 (VCV003698115.2).

ClinVar aggregate classification (germline): Uncertain significance (1 of 4 stars; one submission).

gnomAD v4.1: 5 of 1,614,024 alleles (0.00031%); highest among the groups gnomAD compares: Non-Finnish European, 0.00025%; no homozygotes.

Submission:

Labcorp Genetics (formerly Invitae), Labcorp
Classification: Uncertain significance. Last evaluated: 2024-05-21. Review status: criteria provided, single submitter. Criteria: Invitae Variant Classification Sherloc (09022015). Collection method: clinical testing. Allele origin: germline.
Comment: This sequence change replaces arginine, which is basic and polar, with glutamine, which is neutral and polar, at codon 203 of the GTPBP2 protein (p.Arg203Gln). This variant is not present in population databases (gnomAD no frequency). This variant has not been reported in the literature in individuals affected with GTPBP2-related conditions. An algorithm developed to predict the effect of missense changes on protein structure and function (PolyPhen-2) suggests that this variant is likely to be disruptive. In summary, the available evidence is currently insufficient to determine the role of this variant in disease. Therefore, it has been classified as a Variant of Uncertain Significance.